The following is an entry in ClinVar:

NM_007078.3(LDB3):c.799T>C (p.Ser267Pro)

Gene: LDB3 (LIM domain binding 3; plus strand). Cytogenetic location: 10q23.2.
Variant type: single nucleotide variant.
Coding change: c.799T>C on transcript NM_007078.3 (MANE Select); coding-DNA position 799, T replaced by C.
Protein change: p.Ser267Pro; replaces serine 267 with proline.
Molecular consequence: missense variant.
Genome position (GRCh38, 1-based): chr10:86,692,005, T>C. VCF-style: chr10-86692005-T-C. GRCh37 (hg19) VCF-style: chr10-88451762-T-C.
Other names: c.658T>C, p.Ser220Pro (NM_001368068.1, NM_001080114.2, NM_001080116.1 and 2 more transcripts); c.799T>C, p.Ser267Pro (NM_001080115.2, NM_001368063.1, NM_001368064.1 and 1 more transcripts); c.1003T>C, p.Ser335Pro (NM_001171610.2, NM_001171611.2); short protein forms S267P, S220P, S335P.
Identifiers: ClinVar variation 4614490 (VCV004614490.1).

ClinVar aggregate classification (germline): Uncertain significance (1 of 4 stars; one submission).

Conditions:
Cardiovascular phenotype. Identifiers: MedGen CN230736.

Submission:

Ambry Genetics
Classification: Uncertain significance for Cardiovascular phenotype. Last evaluated: 2025-10-01. Review status: criteria provided, single submitter. Criteria: Ambry Variant Classification Scheme 2023. Collection method: clinical testing. Allele origin: germline.
Comment: The p.S267P variant (also known as c.799T>C), located in coding exon 5 of the LDB3 gene, results from a T to C substitution at nucleotide position 799. The serine at codon 267 is replaced by proline, an amino acid with similar properties. This amino acid position is conserved. In addition, the in silico prediction for this alteration is inconclusive. Based on the available evidence, the clinical significance of this variant remains unclear.